The following is an entry in ClinVar:

NM_001291303.3(FAT4):c.3937C>T (p.Pro1313Ser)

Gene: FAT4 (FAT atypical cadherin 4; plus strand). Cytogenetic location: 4q28.1.
Variant type: single nucleotide variant.
Coding change: c.3937C>T on transcript NM_001291303.3 (MANE Select); coding-DNA position 3937, C replaced by T.
Protein change: p.Pro1313Ser; replaces proline 1313 with serine.
Molecular consequence: missense variant.
Genome position (GRCh38, 1-based): chr4:125,320,348, C>T. VCF-style: chr4-125320348-C-T. GRCh37 (hg19) VCF-style: chr4-126241503-C-T.
Other names: c.3937C>T, p.Pro1313Ser (NM_001291285.3, NM_024582.6); short protein forms P1313S.
Identifiers: ClinVar variation 1304650 (VCV001304650.19), dbSNP rs748743944, ClinGen allele CA3072389.

ClinVar aggregate classification (germline): Uncertain significance. Review status: criteria provided, multiple submitters, no conflicts (2 of 4 stars). 3 submissions from 3 submitters: Uncertain significance (3). Last evaluated 2025-02-01.

Allele frequency attached by ClinVar (database versions not stated): ExAC 0.00002; gnomAD 0.00003 and 0.00006; gnomAD exomes 0.00004 and 0.00013; TOPMed 0.00005.
gnomAD v4.1: 190 of 1,613,714 alleles (0.012%); highest among the groups gnomAD compares: Non-Finnish European, 0.015%; no homozygotes.

Submissions (3):

CeGaT Center for Human Genetics Tuebingen
Classification: Uncertain significance. Last evaluated: 2025-02-01. Review status: criteria provided, single submitter. Criteria: CeGaT Center For Human Genetics Tuebingen Variant Classification Criteria Version 2. Collection method: clinical testing. Allele origin: germline. Affected: yes. Observed: 1 variant allele.
Comment: FAT4: PM2

Labcorp Genetics (formerly Invitae), Labcorp
Classification: Uncertain significance. Last evaluated: 2022-02-25. Review status: criteria provided, single submitter. Criteria: Invitae Variant Classification Sherloc (09022015). Collection method: clinical testing. Allele origin: germline.
Comment: This sequence change replaces proline, which is neutral and non-polar, with serine, which is neutral and polar, at codon 1313 of the FAT4 protein (p.Pro1313Ser). This variant is present in population databases (rs748743944, gnomAD 0.009%). This missense change has been observed in individual(s) with kidney disease and retinitis pigmentosa (PMID: 30773290). ClinVar contains an entry for this variant (Variation ID: 1304650). Algorithms developed to predict the effect of missense changes on protein structure and function (SIFT, PolyPhen-2, Align-GVGD) all suggest that this variant is likely to be disruptive. In summary, the available evidence is currently insufficient to determine the role of this variant in disease. Therefore, it has been classified as a Variant of Uncertain Significance.

GeneDx
Classification: Uncertain significance. Last evaluated: 2019-10-31. Review status: criteria provided, single submitter. Criteria: GeneDx Variant Classification Process June 2021. Collection method: clinical testing. Allele origin: germline. Affected: yes.
Comment: Not observed at a significant frequency in large population cohorts (Lek et al., 2016); In silico analysis, which includes protein predictors and evolutionary conservation, supports a deleterious effect; This variant is associated with the following publications: (PMID: 30773290)

Literature cited by the submitters: PubMed 30773290 (cited by Labcorp Genetics (formerly Invitae), Labcorp).